The following is an entry in ClinVar:

ClinVar aggregate classification (germline): Pathogenic/Likely pathogenic. Review status: criteria provided, multiple submitters, no conflicts (2 of 4 stars). 6 submissions from 6 submitters: Pathogenic (5); Likely pathogenic (1). Last evaluated 2026-01-17.

Conditions:
KRIT1-related disorder. Also called: KRIT1-related disorders; KRIT1-related condition.
Cerebral cavernous malformation (CCM). Also called: Cavernous Hemangioma of Brain; Cerebral cavernous malformations; CAVERNOUS ANGIOMA, FAMILIAL; CAVERNOUS ANGIOMATOUS MALFORMATIONS; CEREBRAL CAPILLARY MALFORMATIONS; Cerebral cavernous hemangioma (type). Identifiers: Orphanet 221061, MedGen C2919945, MONDO:0000820, OMIM 116860, HP:0033522.

Submissions (6):

Labcorp Genetics (formerly Invitae), Labcorp
Classification: Pathogenic for Cerebral cavernous malformation. Last evaluated: 2026-01-17. Review status: criteria provided, single submitter. Criteria: Invitae Variant Classification Sherloc (09022015). Collection method: clinical testing. Allele origin: germline.
Comment: This sequence change falls in intron 16 of the KRIT1 gene. It does not directly change the encoded amino acid sequence of the KRIT1 protein. It affects a nucleotide within the consensus splice site. This variant is not present in population databases (gnomAD no frequency). This variant has been observed in individual(s) with cerebral cavernous malformations (PMID: 12404106; internal data). This variant is also known as IVS15del(+4->+7). ClinVar contains an entry for this variant (Variation ID: 590717). Variants that disrupt the consensus splice site are a relatively common cause of aberrant splicing (PMID: 17576681, 9536098). Studies have shown that this variant alters mRNA splicing and is expected to lead to the loss of protein expression (PMID: 12404106). For these reasons, this variant has been classified as Pathogenic.

Institute of Human Genetics Munich, TUM University Hospital
Classification: Pathogenic for Cerebral cavernous malformation. Last evaluated: 2024-10-21. Review status: criteria provided, single submitter. Criteria: Classification criteria August 2017. Collection method: clinical testing. Allele origin: germline. Inheritance: Autosomal dominant inheritance. Affected: yes. Observed: 1 variant allele.

GeneDx
Classification: Likely pathogenic. Last evaluated: 2024-09-09. Review status: criteria provided, single submitter. Criteria: GeneDx Variant Classification Process June 2021. Collection method: clinical testing. Allele origin: germline. Affected: yes.
Comment: RNA studies demonstrate a damaging effect resulting in the presence of an aberrant transcript missing exon 15, which leads to a premature stop codon and nonsense mediated decay (PMID: 12404106); Not observed at significant frequency in large population cohorts (gnomAD); In silico analysis supports a deleterious effect on splicing; This variant is associated with the following publications: (PMID: 12404106, 23595507)

Mayo Clinic Laboratories, Mayo Clinic
Classification: Pathogenic. Last evaluated: 2024-01-26. Review status: criteria provided, single submitter. Criteria: ACMG Guidelines, 2015. Collection method: clinical testing. Allele origin: germline. Observed: 1 variant allele.
Comment: PM2, PS4_moderate, PVS1

Blueprint Genetics
Classification: Pathogenic for KRIT1-related disorders. Last evaluated: 2020-09-17. Review status: criteria provided, single submitter. Criteria: ACMG Guidelines, 2015. Collection method: clinical testing. Allele origin: germline. Affected: yes. Observed: 2 variant alleles.

PreventionGenetics, part of Exact Sciences
Classification: Pathogenic. Last evaluated: 2015-08-13. Review status: criteria provided, single submitter. Criteria: ACMG Guidelines, 2015. Collection method: clinical testing. Allele origin: germline.

Literature cited by the submitters: PubMed 12404106 (cited by Labcorp Genetics (formerly Invitae), Labcorp and Mayo Clinic Laboratories, Mayo Clinic); PubMed 17576681 (cited by Labcorp Genetics (formerly Invitae), Labcorp); PubMed 9536098 (cited by Labcorp Genetics (formerly Invitae), Labcorp); PubMed 23806994 (cited by Mayo Clinic Laboratories, Mayo Clinic); PubMed 24689081 (cited by Mayo Clinic Laboratories, Mayo Clinic); PubMed 27153162 (cited by Mayo Clinic Laboratories, Mayo Clinic); PubMed 28645800 (cited by Mayo Clinic Laboratories, Mayo Clinic).

NM_194454.3(KRIT1):c.1730+4_1730+7del

Gene: KRIT1 (KRIT1 ankyrin repeat containing; minus strand). Cytogenetic location: 7q21.2.
Variant type: Microsatellite.
Coding change: c.1730+4_1730+7del on transcript NM_194454.3 (MANE Select); bases 4 to 7 of the intron after coding-DNA position 1730, 4 bases deleted (AGTA; older notation c.1730+4_1730+7delAGTA).
Molecular consequence: splice donor variant.
Genome position (GRCh38, 1-based): chr7:92,214,604-92,214,607, TACT deleted on the plus strand (AGTA on the coding strand, the reverse complement: KRIT1 is on the minus strand); deleting any 4 consecutive bases within chr7:92,214,604-92,214,612 gives the same sequence; the c. name uses the placement nearest the transcript's 3' end. VCF-style (leftmost placement, unchanged base first): chr7-92214603-ATACT-A. GRCh37 (hg19) VCF-style: chr7-91843917-ATACT-A.
Other names: c.1730+4_1730+7delAGTA (NM_194456.1); c.1730+4_1730+7del (NM_001350672.1, NM_001350676.1, NM_001350673.1 and 26 more transcripts); c.1586+4_1586+7del (NM_001350669.1, NM_001013406.2, NM_001350670.1); c.1016+4_1016+7del (NM_001350671.1).
Identifiers: ClinVar variation 590717 (VCV000590717.14), dbSNP rs1563244596, ClinGen allele CA891862788.
Genomic context (GRCh38, chr7:92,214,603, plus strand): 5'-TTTAAACTTTCTTGGTTAAACAGAATCTTAAGCATAGCACAAGACCATGCATAATATTAA[ATACT>A]TACTTTAGGAAACCTTGCTTGTGTTTTTTACTCTCATAATTTCCATAGACTATTTGCAAA-3'